The following is an entry in ClinVar:

NM_001009944.3(PKD1):c.10042del (p.Arg3348fs)

Gene: PKD1 (polycystin 1, transient receptor potential channel interacting; minus strand). Cytogenetic location: 16p13.3.
Variant type: Deletion.
Coding change: c.10042del on transcript NM_001009944.3 (MANE Select); coding-DNA position 10042, one base deleted (C; older notation c.10042delC).
Protein change: p.Arg3348fs; shifts the reading frame from arginine 3348.
Molecular consequence: frameshift variant.
Genome position (GRCh38, 1-based): chr16:2,099,652, G deleted on the plus strand (C on the coding strand, the reverse complement: PKD1 is on the minus strand); the first of 3 consecutive G bases (chr16:2,099,652-2,099,654); deleting any one gives the same sequence. VCF-style (leftmost placement, unchanged base first): chr16-2099651-CG-C. GRCh37 (hg19) VCF-style: chr16-2149652-CG-C.
Other names: c.10042del, p.Arg3348fs (NM_000296.4); short protein forms R3348fs.
Identifiers: ClinVar variation 5010191 (VCV005010191.1).

ClinVar aggregate classification (germline): Pathogenic (1 of 4 stars; one submission).

Conditions:
Polycystic kidney disease, adult type (PKD1). Also called: Polycystic Kidney, Autosomal Dominant; POLYCYSTIC KIDNEY DISEASE, ADULT, TYPE I; Polycystic Kidney Disease 1, Autosomal Dominant; Polycystic kidney disease 1; Polycystic kidney disease 1, severe; POLYCYSTIC KIDNEY DISEASE 1 WITH OR WITHOUT POLYCYSTIC LIVER DISEASE. Identifiers: MedGen C3149841, MONDO:0008263, OMIM 173900.

Submission:

Clinical Genetics and Genomics, Karolinska University Hospital
Classification: Pathogenic for Polycystic kidney disease, adult type. Last evaluated: 2026-08-24. Review status: criteria provided, single submitter. Criteria: ACMG Guidelines, 2015. Collection method: clinical testing. Allele origin: germline. Inheritance: Autosomal dominant inheritance. Affected: yes.
Comment: PVS1, PM2, PP4